The following is an entry in ClinVar:

ClinVar aggregate classification (germline): Uncertain significance (1 of 4 stars; one submission).

Conditions:
Mitochondrial DNA depletion syndrome 12B (cardiomyopathic type), autosomal recessive. Also called: Mitochondrial DNA depletion syndrome 12B (cardiomyopathic type) AR. Identifiers: Orphanet 1369, MedGen C3809443, MONDO:0014175, OMIM 615418.

Submission:

3billion
Classification: Uncertain significance for Mitochondrial DNA depletion syndrome 12B (cardiomyopathic type), autosomal recessive. Last evaluated: 2024-02-15. Review status: criteria provided, single submitter. Criteria: ACMG Guidelines, 2015. Collection method: clinical testing. Allele origin: germline. Affected: yes.
Comment: The variant is not observed in the gnomAD v2.1.1 dataset. Predicted Consequence/Location: Intron variant In silico tools predict the variant to alter splicing and produce an abnormal transcript [SpliceAI: 0.73 (>=0.2, moderate evidence for spliceogenicity)]. Therefore, this variant is classified as VUS according to the recommendation of ACMG/AMP guideline.

NM_001151.4(SLC25A4):c.112-16C>G

Gene: SLC25A4 (solute carrier family 25 member 4; plus strand). Cytogenetic location: 4q35.1.
Variant type: single nucleotide variant.
Coding change: c.112-16C>G on transcript NM_001151.4 (MANE Select); 16 bases into the intron before coding-DNA position 112, C replaced by G.
Molecular consequence: intron variant.
Genome position (GRCh38, 1-based): chr4:185,144,748, C>G. VCF-style: chr4-185144748-C-G. GRCh37 (hg19) VCF-style: chr4-186065902-C-G.
Identifiers: ClinVar variation 3775292 (VCV003775292.1).